The following is an entry in ClinVar:

NM_006796.3(AFG3L2):c.2105G>A (p.Arg702Gln)

Gene: AFG3L2 (AFG3 like matrix AAA peptidase subunit 2; minus strand). Cytogenetic location: 18p11.21.
Variant type: single nucleotide variant.
Coding change: c.2105G>A on transcript NM_006796.3 (MANE Select); coding-DNA position 2105, G replaced by A.
Protein change: p.Arg702Gln; replaces arginine 702 with glutamine.
Molecular consequence: missense variant.
Genome position (GRCh38, 1-based): chr18:12,337,411, C>T on the plus strand (G>A on the coding strand, the complement: AFG3L2 is on the minus strand). VCF-style: chr18-12337411-C-T. GRCh37 (hg19) VCF-style: chr18-12337410-C-T.
Other names: short protein forms R702Q.
Identifiers: ClinVar variation 5473 (VCV000005473.51), dbSNP rs151344523, ClinGen allele CA340426.

ClinVar aggregate classification (germline): Conflicting classifications of pathogenicity. Review status: criteria provided, conflicting classifications (1 of 4 stars). 7 submissions from 7 submitters: Pathogenic (2); Likely pathogenic (3); Uncertain significance (1). 1 of the submissions does not count toward it. Last evaluated 2025-07-18.

Conditions:
AFG3L2-related disorder. Also called: AFG3L2-related condition.
Spinocerebellar ataxia type 28 (SCA28). Also called: Spinocerebellar Ataxia Type 28 (SCA28). Identifiers: Orphanet 101109, MedGen C1853249, MONDO:0012450, OMIM 610246.

Allele frequency attached by ClinVar (database versions not stated): gnomAD exomes below 0.00001; gnomAD 0.00001; TOPMed 0.00001.
gnomAD v4.1: 4 of 1,613,910 alleles (0.00025%); highest among the groups gnomAD compares: South Asian, 0.0011%; no homozygotes.

Submissions (7):

Labcorp Genetics (formerly Invitae), Labcorp
Classification: Uncertain significance. Last evaluated: 2025-07-18. Review status: criteria provided, single submitter. Criteria: Invitae Variant Classification Sherloc (09022015). Collection method: clinical testing. Allele origin: germline.
Comment: This sequence change replaces arginine, which is basic and polar, with glutamine, which is neutral and polar, at codon 702 of the AFG3L2 protein (p.Arg702Gln). This variant is present in population databases (rs151344523, gnomAD 0.0009%). This missense change has been observed in individual(s) with autosomal dominant spinocerebellar ataxias (PMID: 20208537). ClinVar contains an entry for this variant (Variation ID: 5473). Invitae Evidence Modeling of protein sequence and biophysical properties (such as structural, functional, and spatial information, amino acid conservation, physicochemical variation, residue mobility, and thermodynamic stability) has been performed for this missense variant. However, the output from this modeling did not meet the statistical confidence thresholds required to predict the impact of this variant on AFG3L2 protein function. Experimental studies have shown that this missense change affects AFG3L2 function (PMID: 20208537, 31327635). In summary, the available evidence is currently insufficient to determine the role of this variant in disease. Therefore, it has been classified as a Variant of Uncertain Significance.

GeneDx
Classification: Likely pathogenic. Last evaluated: 2024-06-11. Review status: criteria provided, single submitter. Criteria: GeneDx Variant Classification Process June 2021. Collection method: clinical testing. Allele origin: germline.
Comment: Published functional studies suggest a damaging effect as mutant protein in yeast studies is unable to restore endogenous respiration defect (PMID: 20208537); Not observed at significant frequency in large population cohorts (gnomAD); In silico analysis supports that this missense variant has a deleterious effect on protein structure/function; This variant is associated with the following publications: (PMID: 33726816, 31327635, 34401960, 33598982, 34445196, 20208537)

Blueprint Genetics
Classification: Likely pathogenic for AFG3L2-related disorders. Last evaluated: 2022-07-19. Review status: criteria provided, single submitter. Criteria: ACMG Guidelines, 2015. Collection method: clinical testing. Allele origin: germline. Affected: yes. Observed: 2 variant alleles.

Molecular Medicine for Neurodegenerative and Neuromuscular Diseases Unit, IRCCS Fondazione Stella Maris
Classification: Pathogenic for Spinocerebellar ataxia type 28. Last evaluated: 2021-01-04. Review status: criteria provided, single submitter. Criteria: ACMG Guidelines, 2015. Collection method: research. Allele origin: unknown. Affected: yes.

Clinical Genetics and Genomics, Karolinska University Hospital
Classification: Pathogenic. Last evaluated: 2017-03-16. Review status: criteria provided, single submitter. Criteria: ACMG Guidelines, 2015. Collection method: clinical testing. Allele origin: germline. Affected: yes. Observed: 1 variant allele.

CeGaT Center for Human Genetics Tuebingen
Classification: Likely pathogenic. Last evaluated: 2016-09-01. Review status: criteria provided, single submitter. Criteria: CeGaT Center For Human Genetics Tuebingen Variant Classification Criteria Version 2. Collection method: clinical testing. Allele origin: germline. Affected: yes. Observed: 1 variant allele.

OMIM
Classification: Pathogenic for SPINOCEREBELLAR ATAXIA 28. Last evaluated: 2010-04-01. Review status: no assertion criteria provided. Collection method: literature only. Allele origin: germline. Not counted in ClinVar's aggregate classification.

Literature cited by the submitters: PubMed 20208537 (cited by Labcorp Genetics (formerly Invitae), Labcorp and OMIM); PubMed 31327635 (cited by Labcorp Genetics (formerly Invitae), Labcorp).